The following is an entry in ClinVar:

NC_000001.11:g.230705941T>C

Gene: AGT (angiotensinogen; minus strand). Cytogenetic location: 1q42.2.
Variant type: single nucleotide variant.
Genome position: GRCh38 VCF-style: chr1-230705941-T-C. GRCh37 (hg19) VCF-style: chr1-230841687-T-C.
Other names: NM_000029.3:c.1116A>G; NM_000029.4:c.1116A>G; p.Leu372=.
Identifiers: ClinVar variation 254725 (VCV000254725.28), dbSNP rs7080, ClinGen allele CA1448145.
Genomic context (GRCh38, chr1:230,705,941, plus strand): 5'-TGGGCAGGACAGTGTGGCTCCCACATTCCAGGGGAGACCGGGAGGCTCCTACCGGGGAGA[T>C]AGTTTCTTCATCCAGTTGAGGGAGTTTTGCTGGAAAGTGAGACCCTCCACCTTGTCCAGG-3'

ClinVar aggregate classification (germline): Benign/Likely benign. Review status: criteria provided, multiple submitters, no conflicts (2 of 4 stars). 11 submissions from 11 submitters: Benign (8); Likely benign (1). 2 of the submissions do not count toward it. Last evaluated 2026-02-04.

Conditions:
Essential hypertension, genetic (EHT). Identifiers: MedGen CN305331, MONDO:0007781, OMIM 145500.
Renal tubular dysgenesis of genetic origin. Also called: PRIMITIVE RENAL TUBULE SYNDROME. Identifiers: Orphanet 97369, MedGen C5681536, MONDO:0009970, OMIM 267430.
Renal tubular dysgenesis. Also called: Renotubular dysgenesis. Identifiers: Orphanet 3033, MedGen C0266313, MONDO:0017609, HP:0008660.

Allele frequency attached by ClinVar (database versions not stated): gnomAD exomes 0.92565 and 0.94466; ESP Exome Variant Server 0.94087; ExAC 0.94407; gnomAD 0.94659; TOPMed 0.94852; 1000 Genomes Project 0.97264; 1000 Genomes Project 30x 0.97314.

Submissions (11):

Labcorp Genetics (formerly Invitae), Labcorp
Classification: Benign. Last evaluated: 2026-02-04. Review status: criteria provided, single submitter. Criteria: Invitae Variant Classification Sherloc (09022015). Collection method: clinical testing. Allele origin: germline.

Blueprint Genetics
Classification: Benign. Last evaluated: 2024-11-26. Review status: criteria provided, single submitter. Criteria: ACMG Guidelines, 2015. Collection method: clinical testing. Allele origin: germline.

Mayo Clinic Laboratories, Mayo Clinic
Classification: Benign. Last evaluated: 2022-03-09. Review status: criteria provided, single submitter. Criteria: ACMG Guidelines, 2015. Collection method: clinical testing. Allele origin: germline. Observed: 76 variant alleles.

Fulgent Genetics
Classification: Likely benign for Essential hypertension, genetic; Renal tubular dysgenesis of genetic origin. Last evaluated: 2021-11-11. Review status: criteria provided, single submitter. Criteria: ACMG Guidelines, 2015. Collection method: clinical testing. Allele origin: unknown.

Genome-Nilou Lab
Classification: Benign for Renal tubular dysgenesis of genetic origin. Last evaluated: 2021-07-14. Review status: criteria provided, single submitter. Criteria: ACMG Guidelines, 2015. Collection method: clinical testing. Allele origin: germline. Affected: no.

GeneDx
Classification: Benign. Last evaluated: 2018-11-10. Review status: criteria provided, single submitter. Criteria: GeneDx Variant Classification Process June 2021. Collection method: clinical testing. Allele origin: germline. Affected: yes.

Illumina Laboratory Services, Illumina
Classification: Benign for Renal tubular dysgenesis of genetic origin. Last evaluated: 2018-01-13. Review status: criteria provided, single submitter. Criteria: ICSL Variant Classification Criteria 13 December 2019. Collection method: clinical testing. Allele origin: germline.
Comment: This variant was observed in the ICSL laboratory as part of a predisposition screen in an ostensibly healthy population. It had not been previously curated by ICSL or reported in the Human Gene Mutation Database (HGMD: prior to June 1st, 2018), and was therefore a candidate for classification through an automated scoring system. Utilizing variant allele frequency, disease prevalence and penetrance estimates, and inheritance mode, an automated score was calculated to assess if this variant is too frequent to cause the disease. Based on the score and internal cut-off values, a variant classified as benign is not then subjected to further curation. The score for this variant resulted in a classification of benign for this disease.

Breakthrough Genomics
Classification: Benign. Review status: criteria provided, single submitter. Criteria: ACMG Guidelines, 2015. Collection method: not provided. Allele origin: germline. Inheritance: Multifactorial inheritance. Affected: yes.

PreventionGenetics, part of Exact Sciences
Classification: Benign. Review status: criteria provided, single submitter. Criteria: ACMG Guidelines, 2015. Collection method: clinical testing. Allele origin: germline.

Diagnostic Laboratory, Department of Genetics, University Medical Center Groningen
Classification: Benign. Review status: no assertion criteria provided. Collection method: clinical testing. Allele origin: germline. Affected: yes. Study: VKGL Data-share Consensus. Not counted in ClinVar's aggregate classification.

Joint Genome Diagnostic Labs from Nijmegen and Maastricht, Radboudumc and MUMC+
Classification: Benign. Review status: no assertion criteria provided. Collection method: clinical testing. Allele origin: germline. Affected: yes. Study: VKGL Data-share Consensus. Not counted in ClinVar's aggregate classification.